The following is an entry in ClinVar:

ClinVar aggregate classification (germline): Uncertain significance (1 of 4 stars; one submission).

Conditions:
Nephronophthisis. Also called: Juvenile Nephronophthisis. Identifiers: Orphanet 655, MedGen C0687120, MONDO:0019005, HP:0000090.
Jeune thoracic dystrophy. Also called: Jeune syndrome; Infantile thoracic dystrophy; Thoracic pelvic phalangeal dystrophy; Jeune's syndrome; Chondroectodermal dysplasia-like syndrome; Short-rib thoracic dysplasia. Identifiers: Orphanet 474, MedGen C0265275, MONDO:0018770.

Allele frequency attached by ClinVar (database versions not stated): gnomAD exomes 0.00001 and 0.00002; ExAC 0.00003.
gnomAD v4.1: 11 of 1,614,132 alleles (0.00068%); highest among the groups gnomAD compares: Non-Finnish European, 0.00076%; no homozygotes.

Submission:

Labcorp Genetics (formerly Invitae), Labcorp
Classification: Uncertain significance for Jeune thoracic dystrophy; Nephronophthisis. Last evaluated: 2022-07-05. Review status: criteria provided, single submitter. Criteria: Invitae Variant Classification Sherloc (09022015). Collection method: clinical testing. Allele origin: germline.
Comment: This sequence change replaces serine, which is neutral and polar, with leucine, which is neutral and non-polar, at codon 618 of the TTC21B protein (p.Ser618Leu). This variant is present in population databases (rs749287796, gnomAD 0.004%). This variant has not been reported in the literature in individuals affected with TTC21B-related conditions. ClinVar contains an entry for this variant (Variation ID: 1449650). Algorithms developed to predict the effect of missense changes on protein structure and function are either unavailable or do not agree on the potential impact of this missense change (SIFT: "Deleterious"; PolyPhen-2: "Possibly Damaging"; Align-GVGD: "Class C0"). In summary, the available evidence is currently insufficient to determine the role of this variant in disease. Therefore, it has been classified as a Variant of Uncertain Significance.

NM_024753.5(TTC21B):c.1853C>T (p.Ser618Leu)

Gene: TTC21B (tetratricopeptide repeat domain 21B; minus strand). Cytogenetic location: 2q24.3.
Variant type: single nucleotide variant.
Coding change: c.1853C>T on transcript NM_024753.5 (MANE Select); coding-DNA position 1853, C replaced by T.
Protein change: p.Ser618Leu; replaces serine 618 with leucine.
Molecular consequence: missense variant.
Genome position (GRCh38, 1-based): chr2:165,917,303, G>A on the plus strand (C>T on the coding strand, the complement: TTC21B is on the minus strand). VCF-style: chr2-165917303-G-A. GRCh37 (hg19) VCF-style: chr2-166773813-G-A.
Other names: short protein forms S618L.
Identifiers: ClinVar variation 1449650 (VCV001449650.5), dbSNP rs749287796, ClinGen allele CA1942004.